The following is an entry in ClinVar:

NM_016553.5(NUP62):c.626C>T (p.Thr209Ile)

Genes: IL4I1 (interleukin 4 induced 1; minus strand), NUP62 (nucleoporin 62; minus strand). Cytogenetic location: 19q13.33.
Variant type: single nucleotide variant.
Coding change: c.626C>T on transcript NM_016553.5 (MANE Select); coding-DNA position 626, C replaced by T.
Protein change: p.Thr209Ile; replaces threonine 209 with isoleucine.
Molecular consequence: missense variant. On other transcripts: intron variant (3).
Genome position (GRCh38, 1-based): chr19:49,909,182, G>A on the plus strand (C>T on the coding strand, the complement: NUP62 is on the minus strand). VCF-style: chr19-49909182-G-A. GRCh37 (hg19) VCF-style: chr19-50412439-G-A.
Other names: c.626C>T, p.Thr209Ile (NM_001193357.2, NM_012346.5, NM_153718.4 and 1 more transcripts); c.-227-4861C>T (NM_001258017.2, NM_172374.3); c.-285-4861C>T (NM_001258018.2); short protein forms T209I.
Identifiers: ClinVar variation 1351479 (VCV001351479.6), dbSNP rs2122600864, ClinGen allele CA406926412.

ClinVar aggregate classification (germline): Uncertain significance (1 of 4 stars; one submission).

gnomAD v4.1: 6 of 1,613,724 alleles (0.00037%); highest among the groups gnomAD compares: African/African-American, 0.0013%; no homozygotes.

Submission:

Labcorp Genetics (formerly Invitae), Labcorp
Classification: Uncertain significance. Last evaluated: 2021-12-15. Review status: criteria provided, single submitter. Criteria: Invitae Variant Classification Sherloc (09022015). Collection method: clinical testing. Allele origin: germline.
Comment: This sequence change replaces threonine, which is neutral and polar, with isoleucine, which is neutral and non-polar, at codon 209 of the NUP62 protein (p.Thr209Ile). This variant is not present in population databases (gnomAD no frequency). This variant has not been reported in the literature in individuals affected with NUP62-related conditions. Algorithms developed to predict the effect of missense changes on protein structure and function (SIFT, PolyPhen-2, Align-GVGD) all suggest that this variant is likely to be tolerated. In summary, the available evidence is currently insufficient to determine the role of this variant in disease. Therefore, it has been classified as a Variant of Uncertain Significance.